The following is an entry in ClinVar:

ClinVar aggregate classification (germline): Conflicting classifications of pathogenicity. Review status: criteria provided, conflicting classifications (1 of 4 stars). 2 submissions from 2 submitters: Uncertain significance (1); Benign (1). Last evaluated 2025-12-22.

Conditions:
Dilated cardiomyopathy 1JJ (CMD1JJ). Identifiers: Orphanet 154, MedGen C3808935, MONDO:0014095, OMIM 615235.

Allele frequency attached by ClinVar (database versions not stated): ESP Exome Variant Server 0.00062; gnomAD exomes 0.00008; ExAC 0.00010; 1000 Genomes Project 0.00020; 1000 Genomes Project 30x 0.00031; gnomAD 0.00036 and 0.00043; TOPMed 0.00039.
gnomAD v4.1: 88 of 1,479,524 alleles (0.0059%); highest among the groups gnomAD compares: African/African-American, 0.11%; no homozygotes.

Submissions (2):

Labcorp Genetics (formerly Invitae), Labcorp
Classification: Benign for Dilated cardiomyopathy 1JJ. Last evaluated: 2025-12-22. Review status: criteria provided, single submitter. Criteria: Invitae Variant Classification Sherloc (09022015). Collection method: clinical testing. Allele origin: germline.

Laboratory for Molecular Medicine, Mass General Brigham Personalized Medicine
Classification: Uncertain significance. Last evaluated: 2015-03-24. Review status: criteria provided, single submitter. Criteria: LMM Criteria. Collection method: clinical testing. Allele origin: germline. Observed: 1 variant allele.
Comment: The c.946-15C>G variant in LAMA4 is located in the 3' splice region but does not affect the highly conserved positions. It has not been previously reported in i ndividuals with cardiomyopathy, but has been identified in 0.1% (12/10402) Afric an chromosomes by the Exome Aggregation Consortium Sequencing Project (ExAC; dbSNP rs375041786). In summary, the clinical signi ficance of the c.946-15C>G variant is uncertain.

NM_001105206.3(LAMA4):c.967-15C>G

Gene: LAMA4 (laminin subunit alpha 4; minus strand). Cytogenetic location: 6q21.
Variant type: single nucleotide variant.
Coding change: c.967-15C>G on transcript NM_001105206.3 (MANE Select); 15 bases into the intron before coding-DNA position 967, C replaced by G.
Molecular consequence: intron variant.
Genome position (GRCh38, 1-based): chr6:112,185,362, G>C on the plus strand (C>G on the coding strand, the complement: LAMA4 is on the minus strand). VCF-style: chr6-112185362-G-C. GRCh37 (hg19) VCF-style: chr6-112506564-G-C.
Other names: c.946-15C>G (NM_002290.5, NM_001105207.3).
Identifiers: ClinVar variation 228784 (VCV000228784.12), dbSNP rs375041786, ClinGen allele CA3965937.
Genomic context (GRCh38, chr6:112,185,362, plus strand): 5'-GTATCTTTCTTAGGGCGTATTGGTTTTCTCTTTCTGACAATTTTGTCTGCAGAAGAATGT[G>C]TTTTGAGAATAGTCAATGGGCACACCAGGTTTTAAAAAATGTACATAAAACTCTTTCAGT-3'